The following is an entry in ClinVar:

ClinVar aggregate classification (germline): Uncertain significance. Review status: criteria provided, multiple submitters, no conflicts (2 of 4 stars). 2 submissions from 2 submitters: Uncertain significance (2). Last evaluated 2025-01-18.

Allele frequency attached by ClinVar (database versions not stated): gnomAD exomes below 0.00001; ExAC 0.00001; gnomAD 0.00001; TOPMed 0.00001; 1000 Genomes Project 30x 0.00016; 1000 Genomes Project 0.00020.
gnomAD v4.1: 2 of 1,613,946 alleles (0.00012%); highest among the groups gnomAD compares: Admixed American, 0.0033%; no homozygotes.

Submissions (2):

Ambry Genetics
Classification: Uncertain significance. Last evaluated: 2025-01-18. Review status: criteria provided, single submitter. Criteria: Ambry Variant Classification Scheme 2023. Collection method: clinical testing. Allele origin: germline.

Labcorp Genetics (formerly Invitae), Labcorp
Classification: Uncertain significance. Last evaluated: 2024-12-23. Review status: criteria provided, single submitter. Criteria: Invitae Variant Classification Sherloc (09022015). Collection method: clinical testing. Allele origin: germline.
Comment: This sequence change replaces lysine, which is basic and polar, with glutamic acid, which is acidic and polar, at codon 627 of the MCM4 protein (p.Lys627Glu). This variant is present in population databases (rs531888742, gnomAD 0.003%). This variant has not been reported in the literature in individuals affected with MCM4-related conditions. ClinVar contains an entry for this variant (Variation ID: 1397692). Invitae Evidence Modeling of protein sequence and biophysical properties (such as structural, functional, and spatial information, amino acid conservation, physicochemical variation, residue mobility, and thermodynamic stability) indicates that this missense variant is not expected to disrupt MCM4 protein function with a negative predictive value of 80%. In summary, the available evidence is currently insufficient to determine the role of this variant in disease. Therefore, it has been classified as a Variant of Uncertain Significance.

NM_182746.3(MCM4):c.1879A>G (p.Lys627Glu)

Gene: MCM4 (minichromosome maintenance complex component 4; plus strand). Cytogenetic location: 8q11.21.
Variant type: single nucleotide variant.
Coding change: c.1879A>G on transcript NM_182746.3 (MANE Select); coding-DNA position 1879, A replaced by G.
Protein change: p.Lys627Glu; replaces lysine 627 with glutamic acid.
Molecular consequence: missense variant.
Genome position (GRCh38, 1-based): chr8:47,971,419, A>G. VCF-style: chr8-47971419-A-G. GRCh37 (hg19) VCF-style: chr8-48883979-A-G.
Other names: c.1879A>G, p.Lys627Glu (NM_005914.4); c.1879A>G (NM_005914.3); short protein forms K627E.
Identifiers: ClinVar variation 1397692 (VCV001397692.7), dbSNP rs531888742, ClinGen allele CA4742735.